The following is an entry in ClinVar:

ClinVar aggregate classification (germline): Uncertain significance. Review status: criteria provided, multiple submitters, no conflicts (2 of 4 stars). 3 submissions from 3 submitters: Uncertain significance (2). 1 of the submissions does not count toward it. Last evaluated 2025-07-21.

Conditions:
CD46-related disorder. Also called: CD46-related condition.
Atypical hemolytic-uremic syndrome with MCP/CD46 anomaly. Also called: HEMOLYTIC UREMIC SYNDROME, ATYPICAL, SUSCEPTIBILITY TO, 2; AHUS, SUSCEPTIBILITY TO, 2. Identifiers: Orphanet 2134, MedGen C2752040, MONDO:0013040, OMIM 612922.

Allele frequency attached by ClinVar (database versions not stated): gnomAD 0.00003 and 0.00004; TOPMed 0.00003; gnomAD exomes 0.00004; ExAC 0.00005.

Submissions (3):

Labcorp Genetics (formerly Invitae), Labcorp
Classification: Uncertain significance. Last evaluated: 2025-07-21. Review status: criteria provided, single submitter. Criteria: Invitae Variant Classification Sherloc (09022015). Collection method: clinical testing. Allele origin: germline.
Comment: This sequence change replaces arginine, which is basic and polar, with glutamine, which is neutral and polar, at codon 82 of the CD46 protein (p.Arg82Gln). This variant is present in population databases (rs761000846, gnomAD 0.009%). This variant has not been reported in the literature in individuals affected with CD46-related conditions. ClinVar contains an entry for this variant (Variation ID: 875709). Invitae Evidence Modeling of protein sequence and biophysical properties (such as structural, functional, and spatial information, amino acid conservation, physicochemical variation, residue mobility, and thermodynamic stability) indicates that this missense variant is not expected to disrupt CD46 protein function with a negative predictive value of 80%. In summary, the available evidence is currently insufficient to determine the role of this variant in disease. Therefore, it has been classified as a Variant of Uncertain Significance.

Illumina Laboratory Services, Illumina
Classification: Uncertain significance for Atypical hemolytic-uremic syndrome with MCP/CD46 anomaly. Last evaluated: 2018-01-12. Review status: criteria provided, single submitter. Criteria: ICSL Variant Classification Criteria 13 December 2019. Collection method: clinical testing. Allele origin: germline.

PreventionGenetics, part of Exact Sciences
Classification: Uncertain significance for CD46-related condition. Last evaluated: 2024-01-08. Review status: no assertion criteria provided. Collection method: clinical testing. Allele origin: germline. Not counted in ClinVar's aggregate classification.
Comment: The CD46 c.245G>A variant is predicted to result in the amino acid substitution p.Arg82Gln. To our knowledge, this variant has not been reported in the literature. This variant is reported in 0.0093% of alleles in individuals of European (Finnish) descent in gnomAD. At this time, the clinical significance of this variant is uncertain due to the absence of conclusive functional and genetic evidence.

NM_172351.3(CD46):c.245G>A (p.Arg82Gln)

Gene: CD46 (CD46 molecule; plus strand). Cytogenetic location: 1q32.2.
Variant type: single nucleotide variant.
Coding change: c.245G>A on transcript NM_172351.3 (MANE Select); coding-DNA position 245, G replaced by A.
Protein change: p.Arg82Gln; replaces arginine 82 with glutamine.
Molecular consequence: missense variant.
Genome position (GRCh38, 1-based): chr1:207,757,161, G>A. VCF-style: chr1-207757161-G-A. GRCh37 (hg19) VCF-style: chr1-207930506-G-A.
Other names: c.245G>A, p.Arg82Gln (NM_002389.4, NM_153826.4, NM_172350.3 and 8 more transcripts); short protein forms R82Q.
Identifiers: ClinVar variation 875709 (VCV000875709.10), dbSNP rs761000846, ClinGen allele CA1371561.